The following is an entry in ClinVar:

NM_000051.4(ATM):c.2880del (p.Leu961fs)

Gene: ATM (ATM serine/threonine kinase; plus strand). Cytogenetic location: 11q22.3.
Variant type: Deletion.
Coding change: c.2880del on transcript NM_000051.4 (MANE Select); coding-DNA position 2880, one base deleted (C; older notation c.2880delC).
Protein change: p.Leu961fs; shifts the reading frame from leucine 961.
Molecular consequence: frameshift variant.
Genome position (GRCh38, 1-based): chr11:108,271,105, C deleted; the last of 4 consecutive C bases (chr11:108,271,102-108,271,105); deleting any one gives the same sequence. VCF-style (leftmost placement, unchanged base first): chr11-108271101-AC-A. GRCh37 (hg19) VCF-style: chr11-108141828-AC-A.
Other names: c.2880delC (NM_000051.3); c.2880del, p.Leu961fs (NM_001351834.2); short protein forms L961fs.
Identifiers: ClinVar variation 181871 (VCV000181871.31), dbSNP rs730881300, ClinGen allele CA298014.

ClinVar aggregate classification (germline): Pathogenic. Review status: criteria provided, multiple submitters, no conflicts (2 of 4 stars). 7 submissions from 7 submitters: Pathogenic (5). 2 of the submissions do not count toward it. Last evaluated 2025-12-21.

Conditions:
Hereditary cancer-predisposing syndrome. Also called: Tumor predisposition; Hereditary Cancer Syndrome; Hereditary neoplastic syndrome; Neoplastic Syndromes, Hereditary. Identifiers: Orphanet 140162, MedGen C0027672, MeSH D009386, MONDO:0015356.
Familial cancer of breast. Also called: BREAST CANCER, FAMILIAL; hereditary breast carcinoma; Hereditary breast cancer. Identifiers: Orphanet 227535, MedGen C0346153, MONDO:0016419, OMIM 114480. Disease mechanism: loss of function.
Ataxia-telangiectasia syndrome (AT). Also called: LOUIS-BAR SYNDROME; Cerebello-oculocutaneous telangiectasia; Immunodeficiency with ataxia telangiectasia; ATAXIA-TELANGIECTASIA, COMPLEMENTATION GROUP A; ATAXIA-TELANGIECTASIA, FRESNO VARIANT; Ataxia-telangiectasia. Identifiers: Orphanet 100, MedGen C0004135, MONDO:0008840, OMIM 208900.

Submissions (7):

Labcorp Genetics (formerly Invitae), Labcorp
Classification: Pathogenic for Ataxia-telangiectasia syndrome. Last evaluated: 2025-12-21. Review status: criteria provided, single submitter. Criteria: Invitae Variant Classification Sherloc (09022015). Collection method: clinical testing. Allele origin: germline.
Comment: This sequence change creates a premature translational stop signal (p.Leu961Cysfs*10) in the ATM gene. It is expected to result in an absent or disrupted protein product. Loss-of-function variants in ATM are known to be pathogenic (PMID: 23807571, 25614872). This variant is present in population databases (rs758561876, gnomAD 0.0009%). This premature translational stop signal has been observed in individual(s) with ataxia-telangiectasia and breast and pancreatic cancers (PMID: 10980530, 17376192, 26483394, 26681312). ClinVar contains an entry for this variant (Variation ID: 181871). For these reasons, this variant has been classified as Pathogenic.

GeneDx
Classification: Pathogenic. Last evaluated: 2025-09-30. Review status: criteria provided, single submitter. Criteria: GeneDx Variant Classification Process June 2021. Collection method: clinical testing. Allele origin: germline. Affected: yes.
Comment: Frameshift variant predicted to result in protein truncation or nonsense mediated decay in a gene for which loss of function is a known mechanism of disease; Observed in individuals with ATM-related cancers (PMID: 26483394, 26681312); Not observed at significant frequency in large population cohorts (gnomAD); Truncating variants in this gene are considered pathogenic by a well-established clinical consortium and/or database; This variant is associated with the following publications: (PMID: 26681312, 26483394, 15932512, 10980530, 17376192, 23807571, 25614872, 29922827, 15196260)

Color Diagnostics, LLC DBA Color Health
Classification: Pathogenic for Hereditary cancer-predisposing syndrome. Last evaluated: 2025-06-30. Review status: criteria provided, single submitter. Criteria: ACMG Guidelines, 2015. Collection method: clinical testing. Allele origin: germline.
Comment: This variant deletes 1 nucleotide in exon 19 of the ATM gene, creating a frameshift and premature translation stop signal. This variant is expected to result in an absent or non-functional protein product. This variant has been reported in individuals affected with ataxia-telangiectasia (PMID: 10980530, 15196260, 17376192), breast cancer (PMID: 26681312), and pancreatic cancer (PMID: 26483394). This variant has been identified in 1/251426 chromosomes in the general population by the Genome Aggregation Database (gnomAD). Loss of ATM function is a known mechanism of disease. Based on the available evidence, this variant is classified as Pathogenic.

Ambry Genetics
Classification: Pathogenic for Hereditary cancer-predisposing syndrome. Last evaluated: 2024-12-18. Review status: criteria provided, single submitter. Criteria: Ambry Variant Classification Scheme 2023. Collection method: clinical testing. Allele origin: germline.
Comment: The c.2880delC pathogenic mutation, located in coding exon 18 of the ATM gene, results from a deletion of one nucleotide at nucleotide position 2880, causing a translational frameshift with a predicted alternate stop codon (p.L961Cfs*10). This alteration has been detected in the compound heterozygous state in two Norwegian individuals with ataxia-telangiectasia (Laake K et al. Hum. Mutat. 2000 Sep;16:232-46; Stray-Pedersen A et al. Clin. Exp. Immunol. 2004 Jul;137:179-86). This alteration has also been reported in a breast cancer patient and a pancreatic cancer patient who underwent hereditary cancer multi-gene panel testing (Susswein LR et al. Genet. Med. 2016 Aug;18:823-32; Hu C et al. Cancer Epidemiol Biomarkers Prev. 2016 Jan;25:207-11). This variant is considered to be rare based on population cohorts in the Genome Aggregation Database (gnomAD). In addition to the clinical data presented in the literature, this alteration is expected to result in loss of function by premature protein truncation or nonsense-mediated mRNA decay. As such, this alteration is interpreted as a disease-causing mutation.

Myriad Genetics, Inc.
Classification: Pathogenic for Familial cancer of breast. Last evaluated: 2024-01-18. Review status: criteria provided, single submitter. Criteria: Myriad Autosomal Dominant, Autosomal Recessive and X-Linked Classification Criteria (2023). Collection method: clinical testing. Allele origin: unknown.
Comment: This variant is considered pathogenic. This variant creates a frameshift predicted to result in premature protein truncation.

Natera, Inc.
Classification: Pathogenic for Ataxia-telangiectasia. Last evaluated: 2021-07-29. Review status: no assertion criteria provided. Collection method: clinical testing. Allele origin: germline. Not counted in ClinVar's aggregate classification.

Counsyl
Classification: Likely pathogenic for Ataxia-telangiectasia syndrome. Last evaluated: 2016-08-30. Review status: no assertion criteria provided. Collection method: clinical testing. Allele origin: unknown. Not counted in ClinVar's aggregate classification.

Literature cited by the submitters: PubMed 23807571 (cited by Labcorp Genetics (formerly Invitae), Labcorp); PubMed 25614872 (cited by Labcorp Genetics (formerly Invitae), Labcorp); PubMed 10980530 (cited by 4 submitters); PubMed 17376192 (cited by Labcorp Genetics (formerly Invitae), Labcorp and Color Diagnostics, LLC DBA Color Health); PubMed 26483394 (cited by 3 submitters); PubMed 26681312 (cited by 3 submitters); PubMed 15196260 (cited by Color Diagnostics, LLC DBA Color Health and Ambry Genetics).